The following is an entry in ClinVar:

ClinVar aggregate classification (germline): Conflicting classifications of pathogenicity. Review status: criteria provided, conflicting classifications (1 of 4 stars). 2 submissions from 2 submitters: Uncertain significance (1); Likely benign (1). Last evaluated 2024-12-11.

Allele frequency attached by ClinVar (database versions not stated): gnomAD exomes below 0.00001.
gnomAD v4.1: 2 of 1,613,710 alleles (0.00012%); highest among the groups gnomAD compares: Non-Finnish European, 0.000085%; no homozygotes.

Submissions (2):

GeneDx
Classification: Uncertain significance. Last evaluated: 2024-12-11. Review status: criteria provided, single submitter. Criteria: GeneDx Variant Classification Process June 2021. Collection method: clinical testing. Allele origin: germline. Affected: yes.
Comment: In silico analysis supports that this missense variant has a deleterious effect on protein structure/function; Has not been previously published as pathogenic or benign to our knowledge

Labcorp Genetics (formerly Invitae), Labcorp
Classification: Likely benign. Last evaluated: 2024-01-22. Review status: criteria provided, single submitter. Criteria: Invitae Variant Classification Sherloc (09022015). Collection method: clinical testing. Allele origin: germline.

NM_032119.4(ADGRV1):c.13793C>T (p.Pro4598Leu)

Gene: ADGRV1 (adhesion G protein-coupled receptor V1; plus strand). Cytogenetic location: 5q14.3.
Variant type: single nucleotide variant.
Coding change: c.13793C>T on transcript NM_032119.4 (MANE Select); coding-DNA position 13793, C replaced by T.
Protein change: p.Pro4598Leu; replaces proline 4598 with leucine.
Molecular consequence: missense variant. On other transcripts: non-coding transcript variant (1).
Genome position (GRCh38, 1-based): chr5:90,788,210, C>T. VCF-style: chr5-90788210-C-T. GRCh37 (hg19) VCF-style: chr5-90084027-C-T.
Other names: c.13793C>T (NM_032119.3); short protein forms P4598L.
Identifiers: ClinVar variation 2110579 (VCV002110579.5), dbSNP rs1308517887, ClinGen allele CA360396737.